The following is an entry in ClinVar:

ClinVar aggregate classification (germline): Pathogenic (1 of 4 stars; one submission).

Conditions:
Cerebral cavernous malformation 3. Also called: Familial Cerebral Cavernous Malformation 3. Identifiers: Orphanet 221061, MedGen C1864040, MONDO:0011305, OMIM 603285.

Submission:

Labcorp Genetics (formerly Invitae), Labcorp
Classification: Pathogenic for Cerebral cavernous malformation 3. Last evaluated: 2024-11-06. Review status: criteria provided, single submitter. Criteria: Invitae Variant Classification Sherloc (09022015). Collection method: clinical testing. Allele origin: germline.
Comment: This sequence change creates a premature translational stop signal (p.Tyr152*) in the PDCD10 gene. It is expected to result in an absent or disrupted protein product. Loss-of-function variants in PDCD10 are known to be pathogenic (PMID: 15543491, 18300272, 23801932). This variant is not present in population databases (gnomAD no frequency). This premature translational stop signal has been observed in individual(s) with cerebral cavernous malformations (PMID: 23801932). For these reasons, this variant has been classified as Pathogenic.

Literature cited by the submitters: PubMed 15543491; PubMed 18300272; PubMed 23801932.

NM_007217.4(PDCD10):c.456T>A (p.Tyr152Ter)

Gene: PDCD10 (programmed cell death 10; minus strand). Cytogenetic location: 3q26.1.
Variant type: single nucleotide variant.
Coding change: c.456T>A on transcript NM_007217.4 (MANE Select); coding-DNA position 456, T replaced by A.
Protein change: p.Tyr152Ter; replaces tyrosine 152 with a stop codon.
Molecular consequence: nonsense.
Genome position (GRCh38, 1-based): chr3:167,687,633, A>T on the plus strand (T>A on the coding strand, the complement: PDCD10 is on the minus strand). VCF-style: chr3-167687633-A-T. GRCh37 (hg19) VCF-style: chr3-167405421-A-T.
Other names: c.456T>A, p.Tyr152Ter (NM_145859.2, NM_145860.2); short protein forms Y152*.
Identifiers: ClinVar variation 3724773 (VCV003724773.2).